The following is an entry in ClinVar:

NM_000092.5(COL4A4):c.100C>T (p.Gln34Ter)

Gene: COL4A4 (collagen type IV alpha 4 chain; minus strand). Cytogenetic location: 2q36.3.
Variant type: single nucleotide variant.
Coding change: c.100C>T on transcript NM_000092.5 (MANE Select); coding-DNA position 100, C replaced by T.
Protein change: p.Gln34Ter; replaces glutamine 34 with a stop codon.
Molecular consequence: nonsense.
Genome position (GRCh38, 1-based): chr2:227,144,530, G>A on the plus strand (C>T on the coding strand, the complement: COL4A4 is on the minus strand). VCF-style: chr2-227144530-G-A. GRCh37 (hg19) VCF-style: chr2-228009246-G-A.
Other names: short protein forms Q34*.
Identifiers: ClinVar variation 4526528 (VCV004526528.1).

ClinVar aggregate classification (germline): Pathogenic (1 of 4 stars; one submission).

Conditions:
Autosomal recessive Alport syndrome (ATS2). Also called: COL4A4 Alport Syndrome and Thin Basement Membrane Nephropathy; COL4A3-Related Nephropathy; ALPORT SYNDROME 2, AUTOSOMAL RECESSIVE; Alport syndrome type 2. Identifiers: Orphanet 63, Orphanet 88919, MedGen C4746745, MONDO:0008762, OMIM 203780.

gnomAD v4.1: 1 of 1,610,110 alleles (0.000062%); highest among the groups gnomAD compares: Non-Finnish European, 0.000085%; no homozygotes.

Submission:

MVZ Medizinische Genetik Mainz
Classification: Pathogenic for Autosomal recessive Alport syndrome. Last evaluated: 2024-08-14. Review status: criteria provided, single submitter. Criteria: UK Practice Guidelines For Variant Classification V4 01 2020. Collection method: clinical testing. Allele origin: germline. Inheritance: Autosomal recessive inheritance. Affected: yes. Observed: 2 variant alleles.
Comment: ACMG Criteria: PVS1,PM2_SUP,PP4